The following is an entry in ClinVar:

ClinVar aggregate classification (germline): Uncertain significance. Review status: criteria provided, multiple submitters, no conflicts (2 of 4 stars). 2 submissions from 2 submitters: Uncertain significance (2). Last evaluated 2023-05-04.

Conditions:
Malignant hyperthermia, susceptibility to, 5 (MHS5). Also called: CACNA1S-Related Malignant Hyperthermia Susceptibility. Identifiers: Orphanet 423, MedGen C1866077, MONDO:0011163, OMIM 601887.
Hypokalemic periodic paralysis, type 1. Also called: HypoPP; Hypokalemic Periodic Paralysis Type 1 (AD). Identifiers: Orphanet 681, MedGen C3714580, MONDO:0042979, OMIM 170400.

Allele frequency attached by ClinVar (database versions not stated): gnomAD 0.00001; gnomAD exomes 0.00001; ExAC 0.00002; TOPMed 0.00002.

Submissions (2):

All of Us Research Program, National Institutes of Health
Classification: Uncertain significance for Malignant hyperthermia, susceptibility to, 5. Last evaluated: 2023-05-04. Review status: criteria provided, single submitter. Criteria: ACMG Guidelines, 2015. Collection method: clinical testing. Allele origin: germline. Inheritance: Autosomal dominant inheritance. Observed: 1 variant allele, 1 heterozygote.
Comment: This missense variant replaces arginine with glutamine at codon 168 of the CACNA1S protein. Computational prediction suggests that this variant may have deleterious impact on protein structure and function (internally defined REVEL score threshold >= 0.7, PMID: 27666373). To our knowledge, functional studies have not been reported for this variant. This variant has not been reported in individuals affected with CACNA1S-related disorders in the literature. This variant has been identified in 2/251444 chromosomes in the general population by the Genome Aggregation Database (gnomAD). The available evidence is insufficient to determine the role of this variant in disease conclusively. Therefore, this variant is classified as a Variant of Uncertain Significance.

This study involves interpretation of variants in research participants for the purpose of population health screening. Participant phenotype was not available at the time of variant classification. Additional details can be found in publication PMID: 35346344, PMCID: PMC8962531

Labcorp Genetics (formerly Invitae), Labcorp
Classification: Uncertain significance for Hypokalemic periodic paralysis, type 1; Malignant hyperthermia, susceptibility to, 5. Last evaluated: 2022-10-18. Review status: criteria provided, single submitter. Criteria: Invitae Variant Classification Sherloc (09022015). Collection method: clinical testing. Allele origin: germline.
Comment: ClinVar contains an entry for this variant (Variation ID: 569872). In summary, the available evidence is currently insufficient to determine the role of this variant in disease. Therefore, it has been classified as a Variant of Uncertain Significance. Advanced modeling of protein sequence and biophysical properties (such as structural, functional, and spatial information, amino acid conservation, physicochemical variation, residue mobility, and thermodynamic stability) performed at Invitae indicates that this missense variant is expected to disrupt CACNA1S protein function. This variant has not been reported in the literature in individuals affected with CACNA1S-related conditions. This variant is present in population databases (rs777920946, gnomAD 0.006%). This sequence change replaces arginine, which is basic and polar, with glutamine, which is neutral and polar, at codon 168 of the CACNA1S protein (p.Arg168Gln).

NM_000069.3(CACNA1S):c.503G>A (p.Arg168Gln)

Gene: CACNA1S (calcium voltage-gated channel subunit alpha1 S; minus strand). Cytogenetic location: 1q32.1.
Variant type: single nucleotide variant.
Coding change: c.503G>A on transcript NM_000069.3 (MANE Select); coding-DNA position 503, G replaced by A.
Protein change: p.Arg168Gln; replaces arginine 168 with glutamine.
Molecular consequence: missense variant.
Genome position (GRCh38, 1-based): chr1:201,092,010, C>T on the plus strand (G>A on the coding strand, the complement: CACNA1S is on the minus strand). VCF-style: chr1-201092010-C-T. GRCh37 (hg19) VCF-style: chr1-201061138-C-T.
Other names: short protein forms R168Q.
Identifiers: ClinVar variation 569872 (VCV000569872.8), dbSNP rs777920946, ClinGen allele CA083671.